The following is an entry in ClinVar:

NM_002691.4(POLD1):c.2565-180G>A

Gene: POLD1 (DNA polymerase delta 1, catalytic subunit; plus strand). Cytogenetic location: 19q13.33.
Variant type: single nucleotide variant.
Coding change: c.2565-180G>A on transcript NM_002691.4 (MANE Select); 180 bases into the intron before coding-DNA position 2565, G replaced by A.
Molecular consequence: intron variant.
Genome position (GRCh38, 1-based): chr19:50,415,258, G>A. VCF-style: chr19-50415258-G-A. GRCh37 (hg19) VCF-style: chr19-50918515-G-A.
Other names: c.2565-180G>A (NM_001256849.1); c.2643-180G>A (NM_001308632.1).
Identifiers: ClinVar variation 679803 (VCV000679803.2), dbSNP rs1274611, ClinGen allele CA309604935.

ClinVar aggregate classification (germline): Benign. Review status: criteria provided, multiple submitters, no conflicts (2 of 4 stars). 2 submissions from 2 submitters: Benign (2). Last evaluated 2018-06-18.

Allele frequency attached by ClinVar (database versions not stated): gnomAD 0.03312 and 0.03562; 1000 Genomes Project 0.03534; 1000 Genomes Project 30x 0.03795; TOPMed 0.03800.
gnomAD v4.1: 4,991 of 152,224 alleles (3.3%); highest among the groups gnomAD compares: African/African-American, 11%; 270 homozygotes.

Submissions (2):

GeneDx
Classification: Benign. Last evaluated: 2018-06-18. Review status: criteria provided, single submitter. Criteria: GeneDx Variant Classification (06012015). Collection method: clinical testing. Allele origin: germline. Affected: yes.
Comment: This variant is considered likely benign or benign based on one or more of the following criteria: it is a conservative change, it occurs at a poorly conserved position in the protein, it is predicted to be benign by multiple in silico algorithms, and/or has population frequency not consistent with disease.

Breakthrough Genomics
Classification: Benign. Review status: criteria provided, single submitter. Criteria: ACMG Guidelines, 2015. Collection method: not provided. Allele origin: germline. Inheritance: Autosomal dominant inheritance. Affected: yes.